The following is an entry in ClinVar:

NC_000023.10:g.(?_32662239)_(32717420_?)dup

Gene: DMD (dystrophin; minus strand). Cytogenetic location: Xp21.1.
Variant type: Duplication.
Identifiers: ClinVar variation 1076754 (VCV001076754.7).

ClinVar aggregate classification (germline): Pathogenic (1 of 4 stars; one submission).

Conditions:
Duchenne muscular dystrophy (DMD). Also called: MUSCULAR DYSTROPHY, PSEUDOHYPERTROPHIC PROGRESSIVE, DUCHENNE TYPE; Duchenne Muscular Dystrophy (DMD). Identifiers: Orphanet 98896, MedGen C0013264, MONDO:0010679, OMIM 310200.

Submission:

Labcorp Genetics (formerly Invitae), Labcorp
Classification: Pathogenic for Duchenne muscular dystrophy. Last evaluated: 2021-08-12. Review status: criteria provided, single submitter. Criteria: Invitae Variant Classification Sherloc (09022015). Collection method: clinical testing. Allele origin: germline.
Comment: This variant results in a copy number gain of the genomic region encompassing exon(s) 8-11 of the DMD gene. While the exact position of this variant cannot be determined from the data, sub-genic copy number gains are generally in tandem (PMID: 25640679). This variant is predicted to be out-of-frame, and may result in an absent or disrupted protein product. Loss-of-function variants in DMD are known to be pathogenic (PMID: 16770791, 25007885). A similar copy number variant has been observed in individuals with DMD-related muscular dystrophy (PMID: 8034300, 18663755, 26911353, 31705731). For these reasons, this variant has been classified as Pathogenic.

Literature cited by the submitters: PubMed 25640679; PubMed 16770791; PubMed 25007885; PubMed 8034300; PubMed 18663755; PubMed 26911353; PubMed 31705731.